The following is an entry in ClinVar:

ClinVar aggregate classification (germline): Conflicting classifications of pathogenicity. Review status: criteria provided, conflicting classifications (1 of 4 stars). 3 submissions from 3 submitters: Likely pathogenic (1); Uncertain significance (2). Last evaluated 2026-03-13.

Conditions:
Mucopolysaccharidosis, MPS-IV-A (MPS4A). Also called: Mucopolysaccharidosis type IV A; Mucopolysaccharidosis Type IVA; Morquio syndrome A, mild; MORQUIO SYNDROME A; MPS IVA; mucopolysaccharidosis type 4A. Identifiers: Orphanet 309297, Orphanet 582, MedGen C0086651, MONDO:0009659, OMIM 253000.

Allele frequency attached by ClinVar (database versions not stated): gnomAD 0.00001; TOPMed 0.00001.
gnomAD v4.1: 1 of 1,612,526 alleles (0.000062%); highest among the groups gnomAD compares: African/African-American, 0.0013%; no homozygotes.

Submissions (3):

Women's Health and Genetics/Laboratory Corporation of America, LabCorp
Classification: Uncertain significance. Last evaluated: 2026-03-13. Review status: criteria provided, single submitter. Criteria: LabCorp Variant Classification Summary - May 2015. Collection method: clinical testing. Allele origin: germline.
Comment: Variant summary: GALNS c.578A>G (p.Glu193Gly) results in a non-conservative amino acid change in the encoded protein sequence. Algorithms developed to predict the effect of missense changes on protein structure and function all suggest that this variant is likely to be disruptive. The variant was absent in 249808 control chromosomes. The available data on variant occurrences in the general population are insufficient to allow any conclusion about variant significance. c.578A>G has been observed in at least one compound heterozygous individual affected with Mucopolysaccharidosis Type IVA (Morquio Syndrome A) with reduced GALNS enzyme function (e.g. Zanetti_2021). These data do not allow any conclusion about variant significance. To our knowledge, no experimental evidence demonstrating an impact on protein function has been reported. The following publication has been ascertained in the context of this evaluation (PMID: 34387910). ClinVar contains an entry for this variant (Variation ID: 1048415). Based on the evidence outlined above, the variant was classified as uncertain significance.

Labcorp Genetics (formerly Invitae), Labcorp
Classification: Likely pathogenic for Mucopolysaccharidosis, MPS-IV-A. Last evaluated: 2023-09-21. Review status: criteria provided, single submitter. Criteria: Invitae Variant Classification Sherloc (09022015). Collection method: clinical testing. Allele origin: germline.
Comment: This variant is not present in population databases (gnomAD no frequency). This sequence change replaces glutamic acid, which is acidic and polar, with glycine, which is neutral and non-polar, at codon 193 of the GALNS protein (p.Glu193Gly). This missense change has been observed in individual(s) with mucopolysaccharidosis type IVA (PMID: 34387910). In summary, the currently available evidence indicates that the variant is pathogenic, but additional data are needed to prove that conclusively. Therefore, this variant has been classified as Likely Pathogenic. Advanced modeling of protein sequence and biophysical properties (such as structural, functional, and spatial information, amino acid conservation, physicochemical variation, residue mobility, and thermodynamic stability) performed at Invitae indicates that this missense variant is expected to disrupt GALNS protein function. ClinVar contains an entry for this variant (Variation ID: 1048415).

Laboratory of Diagnosis and Therapy of Lysosomal Disorders, University of Padova
Classification: Uncertain significance for Mucopolysaccharidosis, MPS-IV-A. Last evaluated: 2021-02-01. Review status: criteria provided, single submitter. Criteria: ACMG Guidelines, 2015. Collection method: research. Allele origin: germline. Affected: yes.
Comment: Absent from gnomAD v2.1.1 (PM2_moderate)

Literature cited by the submitters: PubMed 34387910 (cited by 3 submitters).

NM_000512.5(GALNS):c.578A>G (p.Glu193Gly)

Gene: GALNS (galactosamine (N-acetyl)-6-sulfatase; minus strand). Cytogenetic location: 16q24.3.
Variant type: single nucleotide variant.
Coding change: c.578A>G on transcript NM_000512.5 (MANE Select); coding-DNA position 578, A replaced by G.
Protein change: p.Glu193Gly; replaces glutamic acid 193 with glycine.
Molecular consequence: missense variant.
Genome position (GRCh38, 1-based): chr16:88,836,256, T>C on the plus strand (A>G on the coding strand, the complement: GALNS is on the minus strand). VCF-style: chr16-88836256-T-C. GRCh37 (hg19) VCF-style: chr16-88902664-T-C.
Other names: c.23A>G, p.Glu8Gly (NM_001323543.2); c.596A>G, p.Glu199Gly (NM_001323544.2); short protein forms E193G, E199G, E8G.
Identifiers: ClinVar variation 1048415 (VCV001048415.7), dbSNP rs1427663367, ClinGen allele CA397081512.
Genomic context (GRCh38, chr16:88,836,256, plus strand): 5'-ATCACCTGCAGGTAGATCTGGGTGAGGTTGGCTTCCCCCGTCTTCAGATTAATAGGAAAT[T>C]CTTCATAATATCTGAAAAGAACACAGATCCAGACAGACTTCAGAATTTAGGCCAAGAAAG-3'
Protein context (NP_000503.1, residues 183-203): DWEMVGRYYE[Glu193Gly]FPINLKTGEA